The following is an entry in ClinVar:

ClinVar aggregate classification (germline): Likely benign. Review status: criteria provided, multiple submitters, no conflicts (2 of 4 stars). 4 submissions from 4 submitters: Likely benign (4). Last evaluated 2026-01-27.

Conditions:
Cardiovascular phenotype. Identifiers: MedGen CN230736.
Hypertrophic cardiomyopathy 20. Identifiers: MedGen C3151267, MONDO:0013477, OMIM 613876.
Dilated cardiomyopathy 1CC (CMD1CC). Identifiers: Orphanet 154, MedGen C2751084, MONDO:0013147, OMIM 613122.

Allele frequency attached by ClinVar (database versions not stated): gnomAD exomes 0.00002 and 0.00003; ESP Exome Variant Server 0.00008; TOPMed 0.00012; gnomAD 0.00013 and 0.00014.
gnomAD v4.1: 47 of 1,613,574 alleles (0.0029%); highest among the groups gnomAD compares: African/African-American, 0.04%; no homozygotes.

Submissions (4):

Labcorp Genetics (formerly Invitae), Labcorp
Classification: Likely benign for Dilated cardiomyopathy 1CC; Hypertrophic cardiomyopathy 20. Last evaluated: 2026-01-27. Review status: criteria provided, single submitter. Criteria: Invitae Variant Classification Sherloc (09022015). Collection method: clinical testing. Allele origin: germline.

Molecular Diagnostic Laboratory for Inherited Cardiovascular Disease, Montreal Heart Institute
Classification: Likely benign. Last evaluated: 2025-04-09. Review status: criteria provided, single submitter. Criteria: ACMG Guidelines, 2015. Collection method: clinical testing. Allele origin: germline. Affected: no.

Ambry Genetics
Classification: Likely benign for Cardiovascular phenotype. Last evaluated: 2020-04-13. Review status: criteria provided, single submitter. Criteria: Ambry Variant Classification Scheme 2023. Collection method: clinical testing. Allele origin: germline.

GeneDx
Classification: Likely benign. Last evaluated: 2017-03-27. Review status: criteria provided, single submitter. Criteria: GeneDx Variant Classification (06012015). Collection method: clinical testing. Allele origin: germline. Affected: yes.
Comment: This variant is considered likely benign or benign based on one or more of the following criteria: it is a conservative change, it occurs at a poorly conserved position in the protein, it is predicted to be benign by multiple in silico algorithms, and/or has population frequency not consistent with disease.

NM_144573.4(NEXN):c.1806G>A (p.Thr602=)

Gene: NEXN (nexilin F-actin binding protein; plus strand). Cytogenetic location: 1p31.1.
Variant type: single nucleotide variant.
Coding change: c.1806G>A on transcript NM_144573.4 (MANE Select); coding-DNA position 1806, G replaced by A.
Protein change: p.Thr602=; no amino-acid change (threonine 602 retained).
Molecular consequence: synonymous variant.
Genome position (GRCh38, 1-based): chr1:77,942,607, G>A. VCF-style: chr1-77942607-G-A. GRCh37 (hg19) VCF-style: chr1-78408292-G-A.
Other names: c.1614G>A, p.Thr538= (NM_001172309.2).
Identifiers: ClinVar variation 382504 (VCV000382504.14), dbSNP rs373102543, ClinGen allele CA16603793.